The following is an entry in ClinVar:

NM_001375524.1(TRRAP):c.7461G>A (p.Ser2487=)

Gene: TRRAP (transformation/transcription domain associated protein; plus strand). Cytogenetic location: 7q22.1.
Variant type: single nucleotide variant.
Coding change: c.7461G>A on transcript NM_001375524.1 (MANE Select); coding-DNA position 7461, G replaced by A.
Protein change: p.Ser2487=; no amino-acid change (serine 2487 retained).
Molecular consequence: synonymous variant.
Genome position (GRCh38, 1-based): chr7:98,967,647, G>A. VCF-style: chr7-98967647-G-A. GRCh37 (hg19) VCF-style: chr7-98565270-G-A.
Other names: c.7440G>A, p.Ser2480= (NM_001244580.2); c.7386G>A, p.Ser2462= (NM_003496.4).
Identifiers: ClinVar variation 3051189 (VCV003051189.7), dbSNP rs55747560, ClinGen allele CA4361147.

ClinVar aggregate classification (germline): Likely benign. Review status: criteria provided, multiple submitters, no conflicts (2 of 4 stars). 3 submissions from 3 submitters: Likely benign (2). 1 of the submissions does not count toward it. Last evaluated 2026-03-01.

Conditions:
TRRAP-related disorder. Also called: TRRAP-related condition.

Allele frequency attached by ClinVar (database versions not stated): gnomAD 0.00001; gnomAD exomes 0.00001; TOPMed 0.00001; ExAC 0.00002.
gnomAD v4.1: 9 of 1,613,876 alleles (0.00056%); highest among the groups gnomAD compares: African/African-American, 0.0013%; no homozygotes.

Submissions (3):

CeGaT Center for Human Genetics Tuebingen
Classification: Likely benign. Last evaluated: 2026-03-01. Review status: criteria provided, single submitter. Criteria: CeGaT Center For Human Genetics Tuebingen Variant Classification Criteria Version 2. Collection method: clinical testing. Allele origin: germline. Affected: yes. Observed: 1 variant allele.
Comment: TRRAP: BP4, BP7

Labcorp Genetics (formerly Invitae), Labcorp
Classification: Likely benign. Last evaluated: 2025-12-15. Review status: criteria provided, single submitter. Criteria: Invitae Variant Classification Sherloc (09022015). Collection method: clinical testing. Allele origin: germline.

PreventionGenetics, part of Exact Sciences
Classification: Likely benign for TRRAP-related condition. Last evaluated: 2020-02-14. Review status: no assertion criteria provided. Collection method: clinical testing. Allele origin: germline. Not counted in ClinVar's aggregate classification.
Comment: This variant is classified as likely benign based on ACMG/AMP sequence variant interpretation guidelines (Richards et al. 2015 PMID: 25741868, with internal and published modifications).